The following is an entry in ClinVar:

ClinVar aggregate classification (germline): Uncertain significance. Review status: criteria provided, multiple submitters, no conflicts (2 of 4 stars). 4 submissions from 4 submitters: Uncertain significance (3). 1 of the submissions does not count toward it. Last evaluated 2024-04-08.

Conditions:
TENM4-related disorder. Also called: TENM4-related condition.

Allele frequency attached by ClinVar (database versions not stated): ExAC 0.00039; ESP Exome Variant Server 0.00040; gnomAD 0.00041 and 0.00042; gnomAD exomes 0.00041 and 0.00043; TOPMed 0.00045.
gnomAD v4.1: 691 of 1,613,736 alleles (0.043%); highest among the groups gnomAD compares: Middle Eastern, 0.15%; no homozygotes.

Submissions (4):

Ambry Genetics
Classification: Uncertain significance. Last evaluated: 2024-04-08. Review status: criteria provided, single submitter. Criteria: Ambry Variant Classification Scheme 2023. Collection method: clinical testing. Allele origin: germline.

Mayo Clinic Laboratories, Mayo Clinic
Classification: Uncertain significance. Last evaluated: 2023-08-17. Review status: criteria provided, single submitter. Criteria: ACMG Guidelines, 2015. Collection method: clinical testing. Allele origin: germline. Observed: 1 variant allele.

CeGaT Center for Human Genetics Tuebingen
Classification: Uncertain significance. Last evaluated: 2022-07-01. Review status: criteria provided, single submitter. Criteria: CeGaT Center For Human Genetics Tuebingen Variant Classification Criteria Version 2. Collection method: clinical testing. Allele origin: germline. Affected: yes. Observed: 1 variant allele.
Comment: TENM4: PP3

PreventionGenetics, part of Exact Sciences
Classification: Likely benign for TENM4-related condition. Last evaluated: 2023-05-22. Review status: no assertion criteria provided. Collection method: clinical testing. Allele origin: germline. Not counted in ClinVar's aggregate classification.
Comment: This variant is classified as likely benign based on ACMG/AMP sequence variant interpretation guidelines (Richards et al. 2015 PMID: 25741868, with internal and published modifications).

NM_001098816.3(TENM4):c.4558A>G (p.Asn1520Asp)

Gene: TENM4 (teneurin transmembrane protein 4; minus strand). Cytogenetic location: 11q14.1.
Variant type: single nucleotide variant.
Coding change: c.4558A>G on transcript NM_001098816.3 (MANE Select); coding-DNA position 4558, A replaced by G.
Protein change: p.Asn1520Asp; replaces asparagine 1520 with aspartic acid.
Molecular consequence: missense variant.
Genome position (GRCh38, 1-based): chr11:78,702,055, T>C on the plus strand (A>G on the coding strand, the complement: TENM4 is on the minus strand). VCF-style: chr11-78702055-T-C. GRCh37 (hg19) VCF-style: chr11-78413100-T-C.
Other names: p.Asn1520Asp; c.4558A>G (NM_001098816.2); short protein forms N1520D.
Identifiers: ClinVar variation 871652 (VCV000871652.46), dbSNP rs199624205, ClinGen allele CA6206779.